The following is an entry in ClinVar:

NM_032043.3(BRIP1):c.2234dup (p.Ile746fs)

Gene: BRIP1 (BRCA1 interacting DNA helicase 1; minus strand). Cytogenetic location: 17q23.2.
Variant type: Duplication.
Coding change: c.2234dup on transcript NM_032043.3 (MANE Select); coding-DNA position 2234, one base duplicated (C; older notation c.2234dupC).
Protein change: p.Ile746fs; shifts the reading frame from isoleucine 746.
Molecular consequence: frameshift variant.
Genome position (GRCh38, 1-based): chr17:61,744,455, G duplicated on the plus strand (C on the coding strand, the reverse complement: BRIP1 is on the minus strand). VCF-style (leftmost placement, unchanged base first): chr17-61744454-T-TG. GRCh37 (hg19) VCF-style: chr17-59821815-T-TG.
Other names: c.2234_2235insC (NM_032043.2); short protein forms I746fs.
Identifiers: ClinVar variation 2573178 (VCV002573178.1), dbSNP rs2544836162, ClinGen allele CA2580613197.
Genomic context (GRCh38, chr17:61,744,454, plus strand): 5'-AATATTTTTTCACCGACCATGAAATAATTTCCAGTTACCTTTCTCTCCTTTGTATTTGAT[T>TG]GCGTCATAGTACACCTGCAGTAATTCATCAAAATTTGTTTTTTCTCCTCCCTGTGGTTCT-3'

ClinVar aggregate classification (germline): Pathogenic (1 of 4 stars; one submission).

Conditions:
Familial cancer of breast. Also called: hereditary breast carcinoma; Hereditary breast cancer; BREAST CANCER, FAMILIAL. Identifiers: Orphanet 227535, MedGen C0346153, MONDO:0016419, OMIM 114480. Disease mechanism: loss of function.

Submission:

KCCC/NGS Laboratory, Kuwait Cancer Control Center
Classification: Pathogenic for Familial cancer of breast. Last evaluated: 2023-07-07. Review status: criteria provided, single submitter. Criteria: ACMG Guidelines, 2015. Collection method: clinical testing. Allele origin: unknown. Affected: yes.
Comment: This sequence change creates a premature translational stop signal (p.Ile746Asnfs*12) in the BRIP1 gene. It is expected to result in an absent or disrupted protein product. This variant is not present in population databases (gnomAD). Similar truncating variant has been reported in the literature in an individual undergoing testing for hereditary cancer syndromes (PMID: 24763289). ClinVar contains an entry for a different nucleotide change but results in the same truncating frameshift (Variation ID: 142800) with 4 entries, all of which describe it as pathogenic. Loss-of-function variants in BRIP1 are known to be pathogenic (PMID: 16116423, 17033622, 21964575). Therefore, this variant has been classified as Pathogenic.